The following is an entry in ClinVar:

ClinVar aggregate classification (germline): Benign. Review status: criteria provided, multiple submitters, no conflicts (2 of 4 stars). 3 submissions from 2 submitters: Benign (3). Last evaluated 2018-01-12.

Conditions:
Retinitis pigmentosa (RP). Identifiers: Orphanet 791, MedGen C0035334, MeSH D012174, MONDO:0019200, OMIM 268000. Inheritance: Autosomal dominant, autosomal recessive and X linked inheritance.
Usher syndrome type 2A. Also called: USHER SYNDROME, TYPE IIA; RETINAL DISEASE IN USHER SYNDROME TYPE IIA, MODIFIER OF. Identifiers: Orphanet 231178, Orphanet 886, MedGen C1848634, MONDO:0010169, OMIM 276901.

Allele frequency attached by ClinVar (database versions not stated): 1000 Genomes Project 30x 0.19207; 1000 Genomes Project 0.19449; gnomAD 0.20255 and 0.20367; TOPMed 0.20264; gnomAD exomes 0.23030.
gnomAD v4.1: 222,329 of 984,212 alleles (23%); highest among the groups gnomAD compares: Non-Finnish European, 23%; 25,378 homozygotes.

Submissions (3):

Illumina Laboratory Services, Illumina
Classification: Benign for Usher syndrome type 2A. Last evaluated: 2018-01-12. Review status: criteria provided, single submitter. Criteria: ICSL Variant Classification Criteria 13 December 2019. Collection method: clinical testing. Allele origin: germline.
Comment: This variant was observed in the ICSL laboratory as part of a predisposition screen in an ostensibly healthy population. It had not been previously curated by ICSL or reported in the Human Gene Mutation Database (HGMD: prior to June 1st, 2018), and was therefore a candidate for classification through an automated scoring system. Utilizing variant allele frequency, disease prevalence and penetrance estimates, and inheritance mode, an automated score was calculated to assess if this variant is too frequent to cause the disease. Based on the score and internal cut-off values, a variant classified as benign is not then subjected to further curation. The score for this variant resulted in a classification of benign for this disease.

Illumina Laboratory Services, Illumina
Classification: Benign for Retinitis pigmentosa. Last evaluated: 2018-01-12. Review status: criteria provided, single submitter. Criteria: ICSL Variant Classification Criteria 13 December 2019. Collection method: clinical testing. Allele origin: germline.
Comment: the same text as in the submission from Illumina Laboratory Services, Illumina above.

Breakthrough Genomics
Classification: Benign. Review status: criteria provided, single submitter. Criteria: ACMG Guidelines, 2015. Collection method: not provided. Allele origin: germline. Inheritance: Autosomal recessive inheritance. Affected: yes.

NM_206933.4(USH2A):c.4627+1142G>T

Gene: USH2A (usherin; minus strand). Cytogenetic location: 1q41.
Variant type: single nucleotide variant.
Coding change: c.4627+1142G>T on transcript NM_206933.4 (MANE Select); 1142 bases into the intron after coding-DNA position 4627, G replaced by T.
Molecular consequence: intron variant. On other transcripts: 3 prime UTR variant (1).
Genome position (GRCh38, 1-based): chr1:216,174,110, C>A on the plus strand (G>T on the coding strand, the complement: USH2A is on the minus strand). VCF-style: chr1-216174110-C-A. GRCh37 (hg19) VCF-style: chr1-216347452-C-A.
Other names: c.*1128G>T (NM_007123.6).
Identifiers: ClinVar variation 295405 (VCV000295405.6), dbSNP rs401269, ClinGen allele CA10609861.